The following is an entry in ClinVar:

NM_000312.4(PROC):c.675G>A (p.Trp225Ter)

Gene: PROC (protein C, inactivator of coagulation factors Va and VIIIa; plus strand). Cytogenetic location: 2q14.3.
Variant type: single nucleotide variant.
Coding change: c.675G>A on transcript NM_000312.4 (MANE Select); coding-DNA position 675, G replaced by A.
Protein change: p.Trp225Ter; replaces tryptophan 225 with a stop codon.
Molecular consequence: nonsense.
Genome position (GRCh38, 1-based): chr2:127,426,224, G>A. VCF-style: chr2-127426224-G-A. GRCh37 (hg19) VCF-style: chr2-128183800-G-A.
Other names: c.858G>A, p.Trp286Ter (NM_001375602.1); c.840G>A, p.Trp280Ter (NM_001375603.1); c.738G>A, p.Trp246Ter (NM_001375604.1); c.777G>A, p.Trp259Ter (NM_001375605.1); c.843G>A, p.Trp281Ter (NM_001375606.1); c.861G>A, p.Trp287Ter (NM_001375607.1); c.618G>A, p.Trp206Ter (NM_001375608.1); c.651G>A, p.Trp217Ter (NM_001375609.1); and 2 more; short protein forms W206*, W223*, W280*, W287*, W246*, W281*, W286*, W225*.
Identifiers: ClinVar variation 1420279 (VCV001420279.6), dbSNP rs757925208, ClinGen allele CA348401792.

ClinVar aggregate classification (germline): Pathogenic (1 of 4 stars; one submission).

Conditions:
Thrombophilia due to protein C deficiency, autosomal dominant. Also called: PROC DEFICIENCY, AUTOSOMAL DOMINANT; PROTEIN C DEFICIENCY, AUTOSOMAL DOMINANT. Identifiers: Orphanet 745, MedGen C2674321, MONDO:0008316, OMIM 176860. Disease mechanism: loss of function.

Submission:

Labcorp Genetics (formerly Invitae), Labcorp
Classification: Pathogenic for Thrombophilia due to protein C deficiency, autosomal dominant. Last evaluated: 2021-07-14. Review status: criteria provided, single submitter. Criteria: Invitae Variant Classification Sherloc (09022015). Collection method: clinical testing. Allele origin: germline.
Comment: This sequence change creates a premature translational stop signal (p.Trp225*) in the PROC gene. It is expected to result in an absent or disrupted protein product. Loss-of-function variants in PROC are known to be pathogenic (PMID: 17152060). This variant is not present in population databases (ExAC no frequency). This premature translational stop signal has been observed in individual(s) with Protein C deficiency (Invitae). For these reasons, this variant has been classified as Pathogenic.

Literature cited by the submitters: PubMed 17152060.